The following is an entry in ClinVar:

ClinVar aggregate classification (germline): Likely benign. Review status: criteria provided, multiple submitters, no conflicts (2 of 4 stars). 2 submissions from 2 submitters: Likely benign (2). Last evaluated 2025-01-08.

Conditions:
Schuurs-Hoeijmakers syndrome. Also called: PACS1-Related Neurodevelopmental Disorder. Identifiers: Orphanet 329224, MedGen C3554343, MONDO:0014006, OMIM 615009.

Allele frequency attached by ClinVar (database versions not stated): gnomAD exomes 0.00001; ExAC 0.00002; gnomAD 0.00003; TOPMed 0.00003.
gnomAD v4.1: 24 of 1,613,864 alleles (0.0015%); highest among the groups gnomAD compares: Middle Eastern, 0.016%; no homozygotes.

Submissions (2):

Labcorp Genetics (formerly Invitae), Labcorp
Classification: Likely benign for Schuurs-Hoeijmakers syndrome. Last evaluated: 2025-01-08. Review status: criteria provided, single submitter. Criteria: Invitae Variant Classification Sherloc (09022015). Collection method: clinical testing. Allele origin: germline.

CeGaT Center for Human Genetics Tuebingen
Classification: Likely benign. Last evaluated: 2022-06-01. Review status: criteria provided, single submitter. Criteria: CeGaT Center For Human Genetics Tuebingen Variant Classification Criteria Version 2. Collection method: clinical testing. Allele origin: germline. Affected: yes. Observed: 1 variant allele.
Comment: PACS1: BP4, BP7

NM_018026.4(PACS1):c.2373C>T (p.Asp791=)

Gene: PACS1 (phosphofurin acidic cluster sorting protein 1; plus strand). Cytogenetic location: 11q13.2.
Variant type: single nucleotide variant.
Coding change: c.2373C>T on transcript NM_018026.4 (MANE Select); coding-DNA position 2373, C replaced by T.
Protein change: p.Asp791=; no amino-acid change (aspartic acid 791 retained).
Molecular consequence: synonymous variant.
Genome position (GRCh38, 1-based): chr11:66,239,221, C>T. VCF-style: chr11-66239221-C-T. GRCh37 (hg19) VCF-style: chr11-66006692-C-T.
Identifiers: ClinVar variation 2166904 (VCV002166904.28), dbSNP rs759838002, ClinGen allele CA6116859.
Genomic context (GRCh38, chr11:66,239,221, plus strand): 5'-TGTGGTCAGCCTTACTGTGCCCTCCACATCACCACCCTCCAGCTCGGGCCTGAGCCGAGA[C>T]GCCACGGCCACCCCTCCCTCCTCCCCATCTATGAGCAGCGCCCTGGCCATCGTGGGGTAA-3'
Protein context (NP_060496.2, residues 781-801): SPPSSSGLSR[Asp791=]ATATPPSSPS